The following is an entry in ClinVar:

NM_174936.4(PCSK9):c.310C>T (p.Arg104Cys)

Gene: PCSK9 (proprotein convertase subtilisin/kexin type 9; plus strand). Cytogenetic location: 1p32.3.
Variant type: single nucleotide variant.
Coding change: c.310C>T on transcript NM_174936.4 (MANE Select); coding-DNA position 310, C replaced by T.
Protein change: p.Arg104Cys; replaces arginine 104 with cysteine.
Molecular consequence: missense variant.
Genome position (GRCh38, 1-based): chr1:55,043,945, C>T. VCF-style: chr1-55043945-C-T. GRCh37 (hg19) VCF-style: chr1-55509618-C-T.
Other names: short protein forms R104C.
Identifiers: ClinVar variation 918766 (VCV000918766.9), dbSNP rs369067856, ClinGen allele CA041396.

ClinVar aggregate classification (germline): Conflicting classifications of pathogenicity. Review status: criteria provided, conflicting classifications (1 of 4 stars). 5 submissions from 5 submitters: Uncertain significance (3); Likely benign (2). Last evaluated 2023-12-30.

Conditions:
Cardiovascular phenotype. Identifiers: MedGen CN230736.
Familial hypercholesterolemia. Also called: Familial hypercholesterolemias; Familial hypercholesterolaemia. Identifiers: MedGen C0020445, MONDO:0005439.
Hypercholesterolemia, autosomal dominant, 3 (FHCL3). Also called: Familial Hypercholesterolemia, Autosomal Dominant, 3; PCSK9-Related Familial Hypercholesterolemia, Autosomal Dominant; Familial hypercholesterolemia 3. Identifiers: MedGen C1863551, MONDO:0011369, OMIM 603776.

Allele frequency attached by ClinVar (database versions not stated): ExAC 0.00002; gnomAD exomes 0.00002 and 0.00003; gnomAD 0.00006; TOPMed 0.00006; ESP Exome Variant Server 0.00008.
gnomAD v4.1: 43 of 1,614,072 alleles (0.0027%); highest among the groups gnomAD compares: African/African-American, 0.013%; no homozygotes.

Submissions (5):

Labcorp Genetics (formerly Invitae), Labcorp
Classification: Uncertain significance for Hypercholesterolemia, autosomal dominant, 3. Last evaluated: 2023-12-30. Review status: criteria provided, single submitter. Criteria: Invitae Variant Classification Sherloc (09022015). Collection method: clinical testing. Allele origin: germline.
Comment: This sequence change replaces arginine, which is basic and polar, with cysteine, which is neutral and slightly polar, at codon 104 of the PCSK9 protein (p.Arg104Cys). This variant is present in population databases (rs369067856, gnomAD 0.02%). This missense change has been observed in individual(s) with high LDL-C, familial hypobetalipoproteinemia (PMID: 17316651, 19762784). ClinVar contains an entry for this variant (Variation ID: 918766). Advanced modeling of protein sequence and biophysical properties (such as structural, functional, and spatial information, amino acid conservation, physicochemical variation, residue mobility, and thermodynamic stability) performed at Invitae indicates that this missense variant is expected to disrupt PCSK9 protein function with a positive predictive value of 95%. Experimental studies have shown that this missense change does not substantially affect PCSK9 function (PMID: 19762784, 23298392, 26586530). In summary, the available evidence is currently insufficient to determine the role of this variant in disease. Therefore, it has been classified as a Variant of Uncertain Significance.

GeneDx
Classification: Uncertain significance. Last evaluated: 2023-07-25. Review status: criteria provided, single submitter. Criteria: GeneDx Variant Classification Process June 2021. Collection method: clinical testing. Allele origin: germline. Affected: yes.
Comment: Reported in a individual with profound hypobetalipoproteinemia who harbors an additional PCSK9 variant on the same allele (in cis); both variants were also observed in the less severely affected sibling and child (Cariou et al., 2009); Identified in an individual with high LDL-C (Miyake et al., 2008); In silico analysis supports that this missense variant has a deleterious effect on protein structure/function; This variant is associated with the following publications: (PMID: 26586530, 34739847, 17316651, 19762784)

Blueprint Genetics
Classification: Likely benign. Last evaluated: 2022-12-27. Review status: criteria provided, single submitter. Criteria: ACMG Guidelines, 2015. Collection method: clinical testing. Allele origin: germline.

Ambry Genetics
Classification: Uncertain significance for Cardiovascular phenotype. Last evaluated: 2022-08-25. Review status: criteria provided, single submitter. Criteria: Ambry Variant Classification Scheme 2023. Collection method: clinical testing. Allele origin: germline.
Comment: The p.R104C variant (also known as c.310C>T), located in coding exon 2 of the PCSK9 gene, results from a C to T substitution at nucleotide position 310. The arginine at codon 104 is replaced by cysteine, an amino acid with highly dissimilar properties. This variant has been detected in a hypercholesterolemia cohort (Miyake Y et al. Atherosclerosis, 2008 Jan;196:29-36). This variant was detected in cis with a second PCSK9 variant in a family with hypobetalipoproteinemia, and in vitro studies suggested that the variants together impaired protein processing and secretion (Cariou B. Arterioscler et al. Thromb. Vasc. Biol. 2009 Dec;29(12):2191-7). This amino acid position is not well conserved in available vertebrate species, and cysteine is the reference amino acid in other vertebrate species. In addition, the in silico prediction for this alteration is inconclusive. Since supporting evidence is limited at this time, the clinical significance of this alteration remains unclear.

Color Diagnostics, LLC DBA Color Health
Classification: Likely benign for Familial hypercholesterolemia. Last evaluated: 2022-01-01. Review status: criteria provided, single submitter. Criteria: ACMG Guidelines, 2015. Collection method: clinical testing. Allele origin: germline.

Literature cited by the submitters: PubMed 17316651 (cited by Labcorp Genetics (formerly Invitae), Labcorp and Ambry Genetics); PubMed 19762784 (cited by Labcorp Genetics (formerly Invitae), Labcorp and Ambry Genetics); PubMed 23298392 (cited by Labcorp Genetics (formerly Invitae), Labcorp); PubMed 26586530 (cited by Labcorp Genetics (formerly Invitae), Labcorp); PubMed 34739847 (cited by Ambry Genetics).